The following is an entry in ClinVar:

NM_007194.4(CHEK2):c.909-20G>C

Gene: CHEK2 (checkpoint kinase 2; minus strand). Cytogenetic location: 22q12.1.
Variant type: single nucleotide variant.
Coding change: c.909-20G>C on transcript NM_007194.4 (MANE Select); 20 bases into the intron before coding-DNA position 909, G replaced by C.
Molecular consequence: intron variant.
Genome position (GRCh38, 1-based): chr22:28,699,957, C>G on the plus strand (G>C on the coding strand, the complement: CHEK2 is on the minus strand). VCF-style: chr22-28699957-C-G. GRCh37 (hg19) VCF-style: chr22-29095945-C-G.
Other names: c.246-20G>C (NM_001437942.1, NM_001257387.3); c.708-20G>C (NM_001349956.3); c.909-20G>C (NM_145862.3); c.1002-20G>C (NM_001438295.1, NM_001438293.1); c.1038-20G>C (NM_001438294.1, NM_001005735.3).
Identifiers: ClinVar variation 3772988 (VCV003772988.1).

ClinVar aggregate classification (germline): Likely benign (1 of 4 stars; one submission).

Conditions:
Familial cancer of breast. Also called: Hereditary breast cancer; BREAST CANCER, FAMILIAL; hereditary breast carcinoma. Identifiers: Orphanet 227535, MedGen C0346153, MONDO:0016419, OMIM 114480. Disease mechanism: loss of function.

Submission:

Myriad Genetics, Inc.
Classification: Likely benign for Familial cancer of breast. Last evaluated: 2024-10-03. Review status: criteria provided, single submitter. Criteria: Myriad Autosomal Dominant, Autosomal Recessive and X-Linked Classification Criteria (2023). Collection method: clinical testing. Allele origin: unknown.
Comment: This variant is considered likely benign. This variant is intronic and is not expected to impact mRNA splicing.